The following is an entry in ClinVar:

ClinVar aggregate classification (germline): Pathogenic (1 of 4 stars; one submission).

Conditions:
MOGS-congenital disorder of glycosylation. Also called: CDG IIb; CDG 2B; GLUCOSIDASE I DEFICIENCY; MOGS-CDG. Identifiers: Orphanet 79330, MedGen C1853736, MONDO:0011629, OMIM 606056.

Submission:

Labcorp Genetics (formerly Invitae), Labcorp
Classification: Pathogenic for MOGS-congenital disorder of glycosylation. Last evaluated: 2025-09-24. Review status: criteria provided, single submitter. Criteria: Invitae Variant Classification Sherloc (09022015). Collection method: clinical testing. Allele origin: germline.
Comment: This sequence change creates a premature translational stop signal (p.His151Thrfs*16) in the MOGS gene. It is expected to result in an absent or disrupted protein product. Loss-of-function variants in MOGS are known to be pathogenic (PMID: 24716661, 26805780). This variant is not present in population databases (gnomAD no frequency). This variant has not been reported in the literature in individuals affected with MOGS-related conditions. Algorithms developed to predict the effect of sequence changes on RNA splicing suggest that this variant may disrupt the consensus splice site. For these reasons, this variant has been classified as Pathogenic.

Literature cited by the submitters: PubMed 24716661; PubMed 26805780.

NM_006302.3(MOGS):c.451del (p.His151fs)

Gene: MOGS (mannosyl-oligosaccharide glucosidase; minus strand). Cytogenetic location: 2p13.1.
Variant type: Deletion.
Coding change: c.451del on transcript NM_006302.3 (MANE Select); coding-DNA position 451, one base deleted (C; older notation c.451delC).
Protein change: p.His151fs; shifts the reading frame from histidine 151.
Molecular consequence: frameshift variant.
Genome position (GRCh38, 1-based): chr2:74,464,624, G deleted on the plus strand (C on the coding strand, the reverse complement: MOGS is on the minus strand); the first of 2 consecutive G bases (chr2:74,464,624-74,464,625); deleting either gives the same sequence. VCF-style (leftmost placement, unchanged base first): chr2-74464623-TG-T. GRCh37 (hg19) VCF-style: chr2-74691750-TG-T.
Other names: c.133del, p.His45fs (NM_001146158.2); short protein forms H151fs, H45fs.
Identifiers: ClinVar variation 4797570 (VCV004797570.1).